The following is an entry in ClinVar:

NM_025132.4(WDR19):c.3002G>A (p.Gly1001Asp)

Gene: WDR19 (WD repeat domain 19; plus strand). Cytogenetic location: 4p14.
Variant type: single nucleotide variant.
Coding change: c.3002G>A on transcript NM_025132.4 (MANE Select); coding-DNA position 3002, G replaced by A.
Protein change: p.Gly1001Asp; replaces glycine 1001 with aspartic acid.
Molecular consequence: missense variant.
Genome position (GRCh38, 1-based): chr4:39,255,848, G>A. VCF-style: chr4-39255848-G-A. GRCh37 (hg19) VCF-style: chr4-39257468-G-A.
Other names: c.2522G>A, p.Gly841Asp (NM_001317924.2); short protein forms G841D, G1001D.
Identifiers: ClinVar variation 2048838 (VCV002048838.1), dbSNP rs1733694680, ClinGen allele CA356642013.

ClinVar aggregate classification (germline): Uncertain significance (1 of 4 stars; one submission).

Conditions:
Senior-Loken syndrome 8 (SLSN8). Identifiers: Orphanet 3156, MedGen C4225376, MONDO:0014579, OMIM 616307.
Asphyxiating thoracic dystrophy 5 (SRTD5). Also called: SHORT-RIB THORACIC DYSPLASIA 5 WITH OR WITHOUT POLYDACTYLY; SHORT-RIB THORACIC DYSPLASIA 5 WITHOUT POLYDACTYLY. Identifiers: Orphanet 474, MedGen C3280598, MONDO:0013717, OMIM 614376.

Submission:

Labcorp Genetics (formerly Invitae), Labcorp
Classification: Uncertain significance for Senior-Loken syndrome 8; Asphyxiating thoracic dystrophy 5. Last evaluated: 2022-02-20. Review status: criteria provided, single submitter. Criteria: Invitae Variant Classification Sherloc (09022015). Collection method: clinical testing. Allele origin: germline.
Comment: This sequence change replaces glycine, which is neutral and non-polar, with aspartic acid, which is acidic and polar, at codon 1001 of the WDR19 protein (p.Gly1001Asp). This variant is not present in population databases (gnomAD no frequency). This variant has not been reported in the literature in individuals affected with WDR19-related conditions. Algorithms developed to predict the effect of missense changes on protein structure and function (SIFT, PolyPhen-2, Align-GVGD) all suggest that this variant is likely to be tolerated. In summary, the available evidence is currently insufficient to determine the role of this variant in disease. Therefore, it has been classified as a Variant of Uncertain Significance.